The following is an entry in ClinVar:

NM_000168.6(GLI3):c.1356+11G>C

Gene: GLI3 (GLI family zinc finger 3; minus strand). Cytogenetic location: 7p14.1.
Variant type: single nucleotide variant.
Coding change: c.1356+11G>C on transcript NM_000168.6 (MANE Select); 11 bases into the intron after coding-DNA position 1356, G replaced by C.
Molecular consequence: intron variant.
Genome position (GRCh38, 1-based): chr7:42,025,253, C>G on the plus strand (G>C on the coding strand, the complement: GLI3 is on the minus strand). VCF-style: chr7-42025253-C-G. GRCh37 (hg19) VCF-style: chr7-42064852-C-G.
Identifiers: ClinVar variation 255420 (VCV000255420.29), dbSNP rs846273, ClinGen allele CA4230877.

ClinVar aggregate classification (germline): Benign. Review status: criteria provided, multiple submitters, no conflicts (2 of 4 stars). 15 submissions from 10 submitters: Benign (13). 2 of the submissions do not count toward it. Last evaluated 2026-02-04.

Conditions:
Polydactyly. Also called: polydactylism. Identifiers: MedGen C0152427, MONDO:0021003, OMIM 603596, HP:0010442.
Greig cephalopolysyndactyly syndrome (GCPS). Also called: GLI3-Related Greig Cephalopolysyndactyly Syndrome; POLYSYNDACTYLY WITH PECULIAR SKULL SHAPE; Greig syndrome. Identifiers: Orphanet 380, MedGen C0265306, MONDO:0008287, OMIM 175700.
Pallister-Hall syndrome (PHS). Also called: HYPOTHALAMIC HAMARTOBLASTOMA, HYPOPITUITARISM, IMPERFORATE ANUS, AND POSTAXIAL POLYDACTYLY; GLI3-Related Pallister-Hall Syndrome. Identifiers: Orphanet 672, MedGen C0265220, MONDO:0007804, OMIM 146510.
Polydactyly, postaxial, type A1. Identifiers: MedGen C4282400, MONDO:0008266, OMIM 174200.
Polysyndactyly 4. Also called: Polysyndactyly uncomplicated; Preaxial polydactyly 4. Identifiers: Orphanet 93338, MedGen C1868111, MONDO:0008272, OMIM 174700.

Allele frequency attached by ClinVar (database versions not stated): 1000 Genomes Project 0.96346; 1000 Genomes Project 30x 0.96424; ESP Exome Variant Server 0.96778; TOPMed 0.97113; gnomAD 0.97190 and 0.97240; ExAC 0.97346; gnomAD exomes 0.97504.
gnomAD v4.1: 1,542,746 of 1,582,426 alleles (97%); highest among the groups gnomAD compares: Admixed American, 99%; 752,165 homozygotes.

Submissions (15):

Labcorp Genetics (formerly Invitae), Labcorp
Classification: Benign for Pallister-Hall syndrome; Greig cephalopolysyndactyly syndrome. Last evaluated: 2026-02-04. Review status: criteria provided, single submitter. Criteria: Invitae Variant Classification Sherloc (09022015). Collection method: clinical testing. Allele origin: germline.

Blueprint Genetics
Classification: Benign. Last evaluated: 2024-11-27. Review status: criteria provided, single submitter. Criteria: ACMG Guidelines, 2015. Collection method: clinical testing. Allele origin: germline.

Genome-Nilou Lab
Classification: Benign for Greig cephalopolysyndactyly syndrome. Last evaluated: 2021-08-10. Review status: criteria provided, single submitter. Criteria: ACMG Guidelines, 2015. Collection method: clinical testing. Allele origin: germline. Affected: no.

Genome-Nilou Lab
Classification: Benign for Pallister-Hall syndrome. Last evaluated: 2021-08-10. Review status: criteria provided, single submitter. Criteria: ACMG Guidelines, 2015. Collection method: clinical testing. Allele origin: germline. Affected: no.

Genome-Nilou Lab
Classification: Benign for Polydactyly, postaxial, type A1. Last evaluated: 2021-08-10. Review status: criteria provided, single submitter. Criteria: ACMG Guidelines, 2015. Collection method: clinical testing. Allele origin: germline. Affected: no.

Genome-Nilou Lab
Classification: Benign for Polysyndactyly 4. Last evaluated: 2021-08-10. Review status: criteria provided, single submitter. Criteria: ACMG Guidelines, 2015. Collection method: clinical testing. Allele origin: germline. Affected: no.

ARUP Laboratories, Molecular Genetics and Genomics, ARUP Laboratories
Classification: Benign. Last evaluated: 2020-05-20. Review status: criteria provided, single submitter. Criteria: ARUP Molecular Germline Variant Investigation Process. Collection method: clinical testing. Allele origin: germline.

Illumina Laboratory Services, Illumina
Classification: Benign for Greig cephalopolysyndactyly syndrome. Last evaluated: 2018-01-13. Review status: criteria provided, single submitter. Criteria: ICSL Variant Classification Criteria 13 December 2019. Collection method: clinical testing. Allele origin: germline.
Comment: This variant was observed in the ICSL laboratory as part of a predisposition screen in an ostensibly healthy population. It had not been previously curated by ICSL or reported in the Human Gene Mutation Database (HGMD: prior to June 1st, 2018), and was therefore a candidate for classification through an automated scoring system. Utilizing variant allele frequency, disease prevalence and penetrance estimates, and inheritance mode, an automated score was calculated to assess if this variant is too frequent to cause the disease. Based on the score and internal cut-off values, a variant classified as benign is not then subjected to further curation. The score for this variant resulted in a classification of benign for this disease.

Illumina Laboratory Services, Illumina
Classification: Benign for Pallister-Hall syndrome. Last evaluated: 2018-01-13. Review status: criteria provided, single submitter. Criteria: ICSL Variant Classification Criteria 13 December 2019. Collection method: clinical testing. Allele origin: germline.
Comment: the same text as in the submission from Illumina Laboratory Services, Illumina above.

Illumina Laboratory Services, Illumina
Classification: Benign for Polydactyly. Last evaluated: 2018-01-13. Review status: criteria provided, single submitter. Criteria: ICSL Variant Classification Criteria 13 December 2019. Collection method: clinical testing. Allele origin: germline.
Comment: the same text as in the submission from Illumina Laboratory Services, Illumina above.

Eurofins Ntd Llc (ga)
Classification: Benign. Last evaluated: 2015-09-10. Review status: criteria provided, single submitter. Criteria: EGL Classification Definitions 2015. Collection method: clinical testing. Allele origin: germline. Observed: 3 variant alleles, 3 homozygotes.

GeneDx
Classification: Benign. Last evaluated: 2015-03-03. Review status: criteria provided, single submitter. Criteria: GeneDx Variant Classification Process June 2021. Collection method: clinical testing. Allele origin: germline. Affected: yes.

PreventionGenetics, part of Exact Sciences
Classification: Benign. Review status: criteria provided, single submitter. Criteria: ACMG Guidelines, 2015. Collection method: clinical testing. Allele origin: germline.

Clinical Genetics, Academic Medical Center
Classification: Benign. Review status: no assertion criteria provided. Collection method: clinical testing. Allele origin: germline. Affected: yes. Study: VKGL Data-share Consensus. Not counted in ClinVar's aggregate classification.

Diagnostic Laboratory, Department of Genetics, University Medical Center Groningen
Classification: Benign. Review status: no assertion criteria provided. Collection method: clinical testing. Allele origin: germline. Affected: yes. Study: VKGL Data-share Consensus. Not counted in ClinVar's aggregate classification.